The following is an entry in ClinVar:

ClinVar aggregate classification (germline): Uncertain significance (1 of 4 stars; one submission).

Conditions:
Inborn genetic diseases. Identifiers: MedGen C0950123, MeSH D030342.

Submission:

Ambry Genetics
Classification: Uncertain significance for Inborn genetic diseases. Last evaluated: 2026-07-09. Review status: criteria provided, single submitter. Criteria: Ambry Variant Classification Scheme 2023. Collection method: clinical testing. Allele origin: germline.
Comment: The p.D64G variant (also known as c.191A>G), located in coding exon 3 of the ETV6 gene, results from an A to G substitution at nucleotide position 191. The aspartic acid at codon 64 is replaced by glycine, an amino acid with similar properties. This amino acid position is conserved. In addition, the in silico prediction for this alteration is inconclusive. Based on the available evidence, the clinical significance of this variant remains unclear.

NM_001987.5(ETV6):c.191A>G (p.Asp64Gly)

Genes: ETV6 (ETS variant transcription factor 6; plus strand), LOC126861451 (BRD4-independent group 4 enhancer GRCh37_chr12:11991350-11992549; plus strand). Cytogenetic location: 12p13.2.
Variant type: single nucleotide variant.
Coding change: c.191A>G on transcript NM_001987.5 (MANE Select); coding-DNA position 191, A replaced by G.
Protein change: p.Asp64Gly; replaces aspartic acid 64 with glycine.
Molecular consequence: missense variant. On other transcripts: 5 prime UTR variant (1).
Genome position (GRCh38, 1-based): chr12:11,839,167, A>G. VCF-style: chr12-11839167-A-G. GRCh37 (hg19) VCF-style: chr12-11992101-A-G.
Other names: c.188A>G, p.Asp63Gly (NM_001413913.1); c.164A>G, p.Asp55Gly (NM_001413914.1); c.-74A>G (NM_001413915.1); c.191A>G, p.Asp64Gly (NM_001413916.1, NM_001413917.1, NM_001413918.1); short protein forms D63G, D64G, D55G.
Identifiers: ClinVar variation 5036134 (VCV005036134.1).